The following is an entry in ClinVar:

NM_001079802.2(FKTN):c.910+4A>C

Gene: FKTN (fukutin; plus strand). Cytogenetic location: 9q31.2.
Variant type: single nucleotide variant.
Coding change: c.910+4A>C on transcript NM_001079802.2 (MANE Select); 4 bases into the intron after coding-DNA position 910, A replaced by C.
Molecular consequence: intron variant.
Genome position (GRCh38, 1-based): chr9:105,615,411, A>C. VCF-style: chr9-105615411-A-C. GRCh37 (hg19) VCF-style: chr9-108377692-A-C.
Other names: c.910+4A>C (NM_006731.2, NM_001351496.2, NM_001198963.2 and 2 more transcripts); c.514+4A>C (NM_001351502.2, NM_001351499.2, NM_001351500.2 and 1 more transcripts); c.841+4A>C (NM_001351497.2).
Identifiers: ClinVar variation 1439661 (VCV001439661.4), dbSNP rs1830640350, ClinGen allele CA1127713820.
Genomic context (GRCh38, chr9:105,615,411, plus strand): 5'-CGAAAACATTAAACAAATTGGGAGTACCATTCTGGCTGAGCAGTGGAACTTGTCTAGGTA[A>C]AATTCTTACGACTTTCCATTTGTCTTTCTGTCATTTTGTCCTCTGGCTTTAGGGATTACT-3'

ClinVar aggregate classification (germline): Uncertain significance. Review status: criteria provided, multiple submitters, no conflicts (2 of 4 stars). 2 submissions from 2 submitters: Uncertain significance (2). Last evaluated 2026-07-22.

Conditions:
Walker-Warburg congenital muscular dystrophy. Also called: Muscular dystrophy-dystroglycanopathy, type A; Walker-Warburg syndrome. Identifiers: Orphanet 899, MedGen C0265221, MONDO:0000171.
Cardiovascular phenotype. Identifiers: MedGen CN230736.

Allele frequency attached by ClinVar (database versions not stated): TOPMed below 0.00001; gnomAD 0.00001.
gnomAD v4.1: 9 of 1,613,858 alleles (0.00056%); highest among the groups gnomAD compares: Non-Finnish European, 0.00076%; no homozygotes.

Submissions (2):

Ambry Genetics
Classification: Uncertain significance for Cardiovascular phenotype. Last evaluated: 2026-07-22. Review status: criteria provided, single submitter. Criteria: Ambry Variant Classification Scheme 2023. Collection method: clinical testing. Allele origin: germline.
Comment: The c.910+4A>C intronic variant results from an A to C substitution 4 nucleotides after coding exon 6 in the FKTN gene. This nucleotide position is highly conserved in available vertebrate species. In silico splice site analysis predicts that this alteration will not have any significant effect on splicing. Based on the available evidence, the clinical significance of this variant remains unclear.

Labcorp Genetics (formerly Invitae), Labcorp
Classification: Uncertain significance for Walker-Warburg congenital muscular dystrophy. Last evaluated: 2021-10-21. Review status: criteria provided, single submitter. Criteria: Invitae Variant Classification Sherloc (09022015). Collection method: clinical testing. Allele origin: germline.
Comment: This sequence change falls in intron 8 of the FKTN gene. It does not directly change the encoded amino acid sequence of the FKTN protein. It affects a nucleotide within the consensus splice site. This variant is not present in population databases (gnomAD no frequency). This variant has not been reported in the literature in individuals affected with FKTN-related conditions. Variants that disrupt the consensus splice site are a relatively common cause of aberrant splicing (PMID: 17576681, 9536098). Algorithms developed to predict the effect of sequence changes on RNA splicing suggest that this variant may disrupt the consensus splice site. In summary, the available evidence is currently insufficient to determine the role of this variant in disease. Therefore, it has been classified as a Variant of Uncertain Significance.

Literature cited by the submitters: PubMed 17576681 (cited by Labcorp Genetics (formerly Invitae), Labcorp); PubMed 9536098 (cited by Labcorp Genetics (formerly Invitae), Labcorp).